The following is an entry in ClinVar:

NM_005732.4(RAD50):c.925C>T (p.His309Tyr)

Gene: RAD50 (RAD50 double strand break repair protein; plus strand). Cytogenetic location: 5q31.1.
Variant type: single nucleotide variant.
Coding change: c.925C>T on transcript NM_005732.4 (MANE Select); coding-DNA position 925, C replaced by T.
Protein change: p.His309Tyr; replaces histidine 309 with tyrosine.
Molecular consequence: missense variant.
Genome position (GRCh38, 1-based): chr5:132,587,963, C>T. VCF-style: chr5-132587963-C-T. GRCh37 (hg19) VCF-style: chr5-131923655-C-T.
Other names: short protein forms H309Y.
Identifiers: ClinVar variation 231293 (VCV000231293.13), dbSNP rs876659075, ClinGen allele CA10578503.

ClinVar aggregate classification (germline): Uncertain significance. Review status: criteria provided, multiple submitters, no conflicts (2 of 4 stars). 2 submissions from 2 submitters: Uncertain significance (2). Last evaluated 2023-12-05.

Conditions:
Hereditary cancer-predisposing syndrome. Also called: Neoplastic Syndromes, Hereditary; Tumor predisposition; Hereditary Cancer Syndrome; Hereditary neoplastic syndrome. Identifiers: Orphanet 140162, MedGen C0027672, MeSH D009386, MONDO:0015356.

Allele frequency attached by ClinVar (database versions not stated): gnomAD exomes 0.00001.
gnomAD v4.1: 10 of 1,613,014 alleles (0.00062%); highest among the groups gnomAD compares: Non-Finnish European, 0.00076%; no homozygotes.

Submissions (2):

Ambry Genetics
Classification: Uncertain significance for Hereditary cancer-predisposing syndrome. Last evaluated: 2023-12-05. Review status: criteria provided, single submitter. Criteria: Ambry Variant Classification Scheme 2023. Collection method: clinical testing. Allele origin: germline.
Comment: The p.H309Y variant (also known as c.925C>T), located in coding exon 7 of the RAD50 gene, results from a C to T substitution at nucleotide position 925. The histidine at codon 309 is replaced by tyrosine, an amino acid with similar properties. This amino acid position is not well conserved in available vertebrate species. In addition, this alteration is predicted to be tolerated by in silico analysis. Since supporting evidence is limited at this time, the clinical significance of this alteration remains unclear.

Labcorp Genetics (formerly Invitae), Labcorp
Classification: Uncertain significance for Hereditary cancer-predisposing syndrome. Last evaluated: 2023-10-23. Review status: criteria provided, single submitter. Criteria: Invitae Variant Classification Sherloc (09022015). Collection method: clinical testing. Allele origin: germline.
Comment: This sequence change replaces histidine, which is basic and polar, with tyrosine, which is neutral and polar, at codon 309 of the RAD50 protein (p.His309Tyr). This variant is not present in population databases (gnomAD no frequency). This variant has not been reported in the literature in individuals affected with RAD50-related conditions. ClinVar contains an entry for this variant (Variation ID: 231293). Advanced modeling of protein sequence and biophysical properties (such as structural, functional, and spatial information, amino acid conservation, physicochemical variation, residue mobility, and thermodynamic stability) performed at Invitae indicates that this missense variant is not expected to disrupt RAD50 protein function with a negative predictive value of 80%. In summary, the available evidence is currently insufficient to determine the role of this variant in disease. Therefore, it has been classified as a Variant of Uncertain Significance.